The following is an entry in ClinVar:

NM_017721.5(CC2D1A):c.314C>T (p.Ala105Val)

Gene: CC2D1A (coiled-coil and C2 domain containing 1A; plus strand). Cytogenetic location: 19p13.12.
Variant type: single nucleotide variant.
Coding change: c.314C>T on transcript NM_017721.5 (MANE Select); coding-DNA position 314, C replaced by T.
Protein change: p.Ala105Val; replaces alanine 105 with valine.
Molecular consequence: missense variant.
Genome position (GRCh38, 1-based): chr19:13,912,529, C>T. VCF-style: chr19-13912529-C-T. GRCh37 (hg19) VCF-style: chr19-14023342-C-T.
Other names: short protein forms A105V.
Identifiers: ClinVar variation 434594 (VCV000434594.20), dbSNP rs192358667, ClinGen allele CA9244248.

ClinVar aggregate classification (germline): Conflicting classifications of pathogenicity. Review status: criteria provided, conflicting classifications (1 of 4 stars). 4 submissions from 4 submitters: Uncertain significance (1); Likely benign (3). Last evaluated 2026-01-24.

Conditions:
CC2D1A-related disorder. Also called: CC2D1A-related condition.
Inborn genetic diseases. Identifiers: MedGen C0950123, MeSH D030342.

Allele frequency attached by ClinVar (database versions not stated): gnomAD exomes 0.00034; ExAC 0.00045; 1000 Genomes Project 30x 0.00047; 1000 Genomes Project 0.00060; gnomAD 0.00161 and 0.00180; TOPMed 0.00189; ESP Exome Variant Server 0.00211.
gnomAD v4.1: 507 of 1,614,122 alleles (0.031%); highest among the groups gnomAD compares: African/African-American, 0.54%; 2 homozygotes.

Submissions (5):

Labcorp Genetics (formerly Invitae), Labcorp
Classification: Likely benign. Last evaluated: 2026-01-24. Review status: criteria provided, single submitter. Criteria: Invitae Variant Classification Sherloc (09022015). Collection method: clinical testing. Allele origin: germline.

PreventionGenetics, part of Exact Sciences
Classification: Likely benign for CC2D1A-related condition. Last evaluated: 2025-06-23. Review status: criteria provided, single submitter. Criteria: ACMG Guidelines, 2015. Collection method: clinical testing. Allele origin: germline.
Comment: This variant is classified as likely benign based on ACMG/AMP sequence variant interpretation guidelines (Richards et al. 2015 PMID: 25741868, with internal and published modifications).

Ambry Genetics
Classification: Likely benign for Inborn genetic diseases. Last evaluated: 2021-11-17. Review status: criteria provided, single submitter. Criteria: Ambry Variant Classification Scheme 2023. Collection method: clinical testing. Allele origin: germline.

Genetic Services Laboratory, University of Chicago
Classification: Uncertain significance. Last evaluated: 2016-11-01. Review status: criteria provided, single submitter. Criteria: ACMG Guidelines, 2015. Collection method: clinical testing. Allele origin: germline. Affected: no.

Dr. Peter K. Rogan Lab, Western University
No classification provided (evidence only). Condition: Uterine corpus endometrial carcinoma. Review status: no classification provided. Collection method: in vitro. Allele origin: not applicable. Functional consequence: retained intron. Not counted in ClinVar's aggregate classification.